The following is an entry in ClinVar:

NM_032638.5(GATA2):c.232dup (p.Arg78fs)

Gene: GATA2 (GATA binding protein 2; minus strand). Cytogenetic location: 3q21.3.
Variant type: Duplication.
Coding change: c.232dup on transcript NM_032638.5 (MANE Select); coding-DNA position 232, one base duplicated (C; older notation c.232dupC).
Protein change: p.Arg78fs; shifts the reading frame from arginine 78.
Molecular consequence: frameshift variant.
Genome position (GRCh38, 1-based): chr3:128,486,366, G duplicated on the plus strand (C on the coding strand, the reverse complement: GATA2 is on the minus strand); the first of 3 consecutive G bases (chr3:128,486,366-128,486,368); duplicating any one gives the same sequence. VCF-style (leftmost placement, unchanged base first): chr3-128486365-C-CG. GRCh37 (hg19) VCF-style: chr3-128205208-C-CG.
Other names: c.232dup, p.Arg78fs (NM_001145661.2, NM_001145662.1); short protein forms R78fs.
Identifiers: ClinVar variation 29718 (VCV000029718.2), dbSNP rs1576749301, ClinGen allele CA658820608.

ClinVar aggregate classification (germline): Pathogenic. Review status: criteria provided, single submitter (1 of 4 stars). 2 submissions from 2 submitters: Pathogenic (1). 1 of the submissions does not count toward it. Last evaluated 2021-07-06.

Conditions:
GATA2 deficiency with susceptibility to MDS/AML. Identifiers: MedGen CN300066, MONDO:0042982.
Deafness-lymphedema-leukemia syndrome. Also called: Lymphedema, primary, with myelodysplasia; Emberger syndrome. Identifiers: Orphanet 3226, MedGen C3279664, MONDO:0013540, OMIM 614038.

Submissions (2):

Molecular Pathology Research Laboratory, SA Pathology
Classification: Pathogenic for GATA2 deficiency with susceptibility to MDS/AML; Deafness-lymphedema-leukemia syndrome. Last evaluated: 2021-07-06. Review status: criteria provided, single submitter. Criteria: ACMG Guidelines, 2015. Collection method: curation. Allele origin: germline. Inheritance: Autosomal dominant inheritance. Affected: yes. Observed: 3 variant alleles. Clinical features observed: Myelodysplasia, Acute Myeloid Leukemia, Lymphedema, Hematological abnormality.
Comment: PVS1, PS4_Moderate, PM2

OMIM
Classification: Pathogenic for LYMPHEDEMA, PRIMARY, WITH MYELODYSPLASIA. Last evaluated: 2011-09-04. Review status: no assertion criteria provided. Collection method: literature only. Allele origin: germline. Not counted in ClinVar's aggregate classification.

Literature cited by the submitters: PubMed 21892158 (cited by Molecular Pathology Research Laboratory, SA Pathology and OMIM); PubMed 20803646 (cited by OMIM).